The following is an entry in ClinVar:

NM_020928.2(ZSWIM6):c.2357A>G (p.Tyr786Cys)

Gene: ZSWIM6 (zinc finger SWIM-type containing 6; plus strand). Cytogenetic location: 5q12.1.
Variant type: single nucleotide variant.
Coding change: c.2357A>G on transcript NM_020928.2 (MANE Select); coding-DNA position 2357, A replaced by G.
Protein change: p.Tyr786Cys; replaces tyrosine 786 with cysteine.
Molecular consequence: missense variant.
Genome position (GRCh38, 1-based): chr5:61,535,595, A>G. VCF-style: chr5-61535595-A-G. GRCh37 (hg19) VCF-style: chr5-60831422-A-G.
Other names: short protein forms Y786C.
Identifiers: ClinVar variation 2882988 (VCV002882988.3), dbSNP rs1398243612, ClinGen allele CA359945169.
Genomic context (GRCh38, chr5:61,535,595, plus strand): 5'-TGCACACATTTGCCAAGTATCTCTTCACCTCTCTCCTACCTCACGATGCTGAATTGGCAT[A>G]CAAAATTGCACTGAGAGCAATGCGGTATGTATTCACAGCCCAGCTGGGCAGAGGCAGGCC-3'
Protein context (NP_065979.1, residues 776-796): SLLPHDAELA[Tyr786Cys]KIALRAMRLL

ClinVar aggregate classification (germline): Uncertain significance (1 of 4 stars; one submission).

Allele frequency attached by ClinVar (database versions not stated): TOPMed 0.00002; gnomAD 0.00001; gnomAD exomes 0.00004.
gnomAD v4.1: 58 of 1,551,210 alleles (0.0037%); highest among the groups gnomAD compares: Non-Finnish European, 0.0051%; no homozygotes.

Submission:

Labcorp Genetics (formerly Invitae), Labcorp
Classification: Uncertain significance. Last evaluated: 2025-11-12. Review status: criteria provided, single submitter. Criteria: Invitae Variant Classification Sherloc (09022015). Collection method: clinical testing. Allele origin: germline.
Comment: This sequence change replaces tyrosine, which is neutral and polar, with cysteine, which is neutral and slightly polar, at codon 786 of the ZSWIM6 protein (p.Tyr786Cys). This variant is not present in population databases (gnomAD no frequency). This variant has not been reported in the literature in individuals affected with ZSWIM6-related conditions. ClinVar contains an entry for this variant (Variation ID: 2882988). Invitae Evidence Modeling of protein sequence and biophysical properties (such as structural, functional, and spatial information, amino acid conservation, physicochemical variation, residue mobility, and thermodynamic stability) indicates that this missense variant is not expected to disrupt ZSWIM6 protein function with a negative predictive value of 80%. In summary, the available evidence is currently insufficient to determine the role of this variant in disease. Therefore, it has been classified as a Variant of Uncertain Significance.